The following is an entry in ClinVar:

ClinVar aggregate classification (germline): not provided (0 of 4 stars; one submission).

Allele frequency attached by ClinVar (database versions not stated): gnomAD 0.00001.
gnomAD v4.1: 12 of 1,526,964 alleles (0.00079%); highest among the groups gnomAD compares: East Asian, 0.027%; no homozygotes.

Submission:

Human Evolutionary Genetics, Institut Pasteur
No classification provided. Review status: no classification provided. Collection method: not provided. Allele origin: germline.
ClinVar note: Converted during submission from untested to not provided.

NM_001199138.2(NLRC4):c.2782+38G>C

Gene: NLRC4 (NLR family CARD domain containing 4; minus strand). Cytogenetic location: 2p22.3.
Variant type: single nucleotide variant.
Coding change: c.2782+38G>C on transcript NM_001199138.2 (MANE Select); 38 bases into the intron after coding-DNA position 2782, G replaced by C.
Molecular consequence: intron variant.
Genome position (GRCh38, 1-based): chr2:32,235,363, C>G on the plus strand (G>C on the coding strand, the complement: NLRC4 is on the minus strand). VCF-style: chr2-32235363-C-G. GRCh37 (hg19) VCF-style: chr2-32460432-C-G.
Other names: c.787+38G>C (NM_001302504.1); c.2782+38G>C (NM_021209.4, NM_001199139.1).
Identifiers: ClinVar variation 103082 (VCV000103082.2), dbSNP rs199476297, ClinGen allele CA230091.